The following is an entry in ClinVar:

ClinVar aggregate classification (germline): Uncertain significance (1 of 4 stars; one submission).

Submission:

GeneDx
Classification: Uncertain significance. Last evaluated: 2022-10-05. Review status: criteria provided, single submitter. Criteria: GeneDx Variant Classification Process June 2021. Collection method: clinical testing. Allele origin: germline. Affected: yes.
Comment: Not observed at significant frequency in large population cohorts (gnomAD); Frameshift variant predicted to result in protein truncation as the last 174 amino acids are replaced with 13 different amino acids, although loss-of-function variants have not been reported downstream of this position in the protein; Has not been previously published as pathogenic or benign to our knowledge

NM_000368.5(TSC1):c.2972_2975del (p.Glu991fs)

Gene: TSC1 (TSC complex subunit 1; minus strand). Cytogenetic location: 9q34.13.
Variant type: Deletion.
Coding change: c.2972_2975del on transcript NM_000368.5 (MANE Select); coding-DNA positions 2972 to 2975, 4 bases deleted (AAAG; older notation c.2972_2975delAAAG).
Protein change: p.Glu991fs; shifts the reading frame from glutamic acid 991.
Molecular consequence: frameshift variant. On other transcripts: non-coding transcript variant (5).
Genome position (GRCh38, 1-based): chr9:132,897,184-132,897,187, CTTT deleted on the plus strand (AAAG on the coding strand, the reverse complement: TSC1 is on the minus strand); deleting any 4 consecutive bases within chr9:132,897,184-132,897,190 gives the same sequence; the c. name uses the placement nearest the transcript's 3' end. VCF-style (leftmost placement, unchanged base first): chr9-132897183-CCTTT-C. GRCh37 (hg19) VCF-style: chr9-135772570-CCTTT-C.
Other names: c.2969_2972delAAGA, p.Glu991Glyfs (NM_000368.4); c.2969_2972del, p.Glu990fs (NM_001162426.2, NM_001406597.1, NM_001406598.1 and 2 more transcripts); c.2819_2822del, p.Glu940fs (NM_001162427.2, NM_001406610.1); c.2609_2612del, p.Glu870fs (NM_001362177.2, NM_001406614.1, NM_001406615.1 and 4 more transcripts); c.2972_2975del, p.Glu991fs (NM_001406592.1, NM_001406593.1, NM_001406594.1 and 2 more transcripts); c.2957_2960del, p.Glu986fs (NM_001406601.1, NM_001406602.1); c.2954_2957del, p.Glu985fs (NM_001406603.1, NM_001406604.1); c.2930_2933del, p.Glu977fs (NM_001406605.1, NM_001406606.1, NM_001406607.1); and 9 more; short protein forms E640fs, E673fs, E674fs, E855fs, E856fs, E869fs, E870fs, E925fs.
Identifiers: ClinVar variation 2497823 (VCV002497823.1), dbSNP rs2538473214, ClinGen allele CA2580080095.